The following is an entry in ClinVar:

NM_016222.4(DDX41):c.32C>G (p.Ala11Gly)

Gene: DDX41 (DEAD-box helicase 41; minus strand). Cytogenetic location: 5q35.3.
Variant type: single nucleotide variant.
Coding change: c.32C>G on transcript NM_016222.4 (MANE Select); coding-DNA position 32, C replaced by G.
Protein change: p.Ala11Gly; replaces alanine 11 with glycine.
Molecular consequence: missense variant. On other transcripts: 5 prime UTR variant (2).
Genome position (GRCh38, 1-based): chr5:177,516,831, G>C on the plus strand (C>G on the coding strand, the complement: DDX41 is on the minus strand). VCF-style: chr5-177516831-G-C. GRCh37 (hg19) VCF-style: chr5-176943832-G-C.
Other names: c.-624C>G (NM_001321732.2); c.-416C>G (NM_001321830.2); short protein forms A11G.
Identifiers: ClinVar variation 4841793 (VCV004841793.1).

ClinVar aggregate classification (germline): Uncertain significance (1 of 4 stars; one submission).

Conditions:
Inborn genetic diseases. Identifiers: MedGen C0950123, MeSH D030342.

Submission:

Ambry Genetics
Classification: Uncertain significance for Inborn genetic diseases. Last evaluated: 2025-12-20. Review status: criteria provided, single submitter. Criteria: Ambry Variant Classification Scheme 2023. Collection method: clinical testing. Allele origin: germline.
Comment: The p.A11G variant (also known as c.32C>G), located in coding exon 2 of the DDX41 gene, results from a C to G substitution at nucleotide position 32. The alanine at codon 11 is replaced by glycine, an amino acid with similar properties. This amino acid position is conserved. In addition, this alteration is predicted to be tolerated by in silico analysis. Based on the available evidence, the clinical significance of this variant remains unclear.